The following is an entry in ClinVar:

NM_000492.4(CFTR):c.2567A>T (p.His856Leu)

Gene: CFTR (CF transmembrane conductance regulator; plus strand). Cytogenetic location: 7q31.2.
Variant type: single nucleotide variant.
Coding change: c.2567A>T on transcript NM_000492.4 (MANE Select); coding-DNA position 2567, A replaced by T.
Protein change: p.His856Leu; replaces histidine 856 with leucine.
Molecular consequence: missense variant.
Genome position (GRCh38, 1-based): chr7:117,595,006, A>T. VCF-style: chr7-117595006-A-T. GRCh37 (hg19) VCF-style: chr7-117235060-A-T.
Other names: short protein forms H856L.
Identifiers: ClinVar variation 4646106 (VCV004646106.1).

ClinVar aggregate classification (germline): Uncertain significance (1 of 4 stars; one submission).

Conditions:
Cystic fibrosis (CF). Also called: MUCOVISCIDOSIS. Identifiers: Orphanet 586, MedGen C0010674, MONDO:0009061, OMIM 219700. Disease mechanism: loss of function.

Submission:

Ambry Genetics
Classification: Uncertain significance for Cystic fibrosis. Last evaluated: 2025-09-16. Review status: criteria provided, single submitter. Criteria: Ambry Variant Classification Scheme 2023. Collection method: clinical testing. Allele origin: germline.
Comment: The p.H856L variant (also known as c.2567A>T), located in coding exon 15 of the CFTR gene, results from an A to T substitution at nucleotide position 2567. The histidine at codon 856 is replaced by leucine, an amino acid with similar properties. This amino acid position is conserved. In addition, this alteration is predicted to be deleterious by in silico analysis. Based on the available evidence, the clinical significance of this variant remains unclear.